The following is an entry in ClinVar:

NC_000014.8:g.(?_55313807)_(55313858_?)del

Gene: GCH1 (GTP cyclohydrolase 1; minus strand). Cytogenetic location: 14q22.2.
Variant type: Deletion.
Identifiers: ClinVar variation 1070262 (VCV001070262.5).

ClinVar aggregate classification (germline): Pathogenic (1 of 4 stars; one submission).

Conditions:
Dystonia 5 (DRD). Also called: Dystonia, DOPA-responsive, with or without hyperphenylalaninemia; DYT-GCH1; GTP Cyclohydrolase 1-Deficient Dopa-Responsive Dystonia; DYSTONIA, PROGRESSIVE, WITH DIURNAL VARIATION; DYSTONIA-PARKINSONISM WITH DIURNAL FLUCTUATION. Identifiers: Orphanet 98808, MedGen C1851920, MONDO:0007495, OMIM 128230.
GTP cyclohydrolase I deficiency. Identifiers: MedGen C0268467, MONDO:0100184.

Submission:

Labcorp Genetics (formerly Invitae), Labcorp
Classification: Pathogenic for GTP cyclohydrolase I deficiency; Dystonia 5. Last evaluated: 2020-07-08. Review status: criteria provided, single submitter. Criteria: Invitae Variant Classification Sherloc (09022015). Collection method: clinical testing. Allele origin: germline.
Comment: This variant is an out-of-frame deletion of the genomic region encompassing exon 4 of the GCH1 gene. This is expected to create a premature translational stop signal and result in an absent or disrupted protein product. This variant has not been reported in the literature in individuals with GCH1-related conditions. Loss-of-function variants in GCH1 are known to be pathogenic (PMID: 19491146). For these reasons, this variant has been classified as Pathogenic.

Literature cited by the submitters: PubMed 19491146.